The following is an entry in ClinVar:

NM_001378454.1(ALMS1):c.11669-2A>G

Gene: ALMS1 (ALMS1 centrosome and basal body associated protein; plus strand). Cytogenetic location: 2p13.1.
Variant type: single nucleotide variant.
Coding change: c.11669-2A>G on transcript NM_001378454.1 (MANE Select); the canonical splice acceptor site of the intron before coding-DNA position 11669, A replaced by G.
Molecular consequence: splice acceptor variant.
Genome position (GRCh38, 1-based): chr2:73,600,676, A>G. VCF-style: chr2-73600676-A-G. GRCh37 (hg19) VCF-style: chr2-73827803-A-G.
Other names: c.11672-2A>G (NM_015120.4); c.11669-2A>G (NM_015120.4).
Identifiers: ClinVar variation 835211 (VCV000835211.18), dbSNP rs952110960, ClinGen allele CA50336780.

ClinVar aggregate classification (germline): Conflicting classifications of pathogenicity. Review status: criteria provided, conflicting classifications (1 of 4 stars). 5 submissions from 5 submitters: Pathogenic (1); Likely pathogenic (3); Uncertain significance (1). Last evaluated 2025-10-14.

Conditions:
Cardiovascular phenotype. Identifiers: MedGen CN230736.
Alstrom syndrome (ALMS). Identifiers: Orphanet 64, MedGen C0268425, MONDO:0008763, OMIM 203800.

Allele frequency attached by ClinVar (database versions not stated): gnomAD exomes below 0.00001; gnomAD 0.00003; TOPMed 0.00003.
gnomAD v4.1: 6 of 1,611,758 alleles (0.00037%); highest among the groups gnomAD compares: African/African-American, 0.0067%; no homozygotes.

Submissions (5):

Labcorp Genetics (formerly Invitae), Labcorp
Classification: Pathogenic for Alstrom syndrome. Last evaluated: 2025-10-14. Review status: criteria provided, single submitter. Criteria: Invitae Variant Classification Sherloc (09022015). Collection method: clinical testing. Allele origin: germline.
Comment: This sequence change affects an acceptor splice site in intron 17 of the ALMS1 gene. It is expected to disrupt RNA splicing. Variants that disrupt the donor or acceptor splice site typically lead to a loss of protein function (PMID: 16199547), and loss-of-function variants in ALMS1 are known to be pathogenic (PMID: 17594715). This variant is present in population databases (no rsID available, gnomAD 0.01%). Disruption of this splice site has been observed in individual(s) with Alstrom syndrome (PMID: 29715191; internal data). In at least one individual the data is consistent with being in trans (on the opposite chromosome) from a pathogenic variant. This variant is also known as 11666-2A>G. ClinVar contains an entry for this variant (Variation ID: 835211). Algorithms developed to predict the effect of sequence changes on RNA splicing suggest that this variant may disrupt the consensus splice site. For these reasons, this variant has been classified as Pathogenic.

Ambry Genetics
Classification: Uncertain significance for Cardiovascular phenotype. Last evaluated: 2025-04-21. Review status: criteria provided, single submitter. Criteria: Ambry Variant Classification Scheme 2023. Collection method: clinical testing. Allele origin: germline.
Comment: The c.11672-2A>G intronic variant results from an A to G substitution two nucleotides upstream from coding exon 18 in the ALMS1 gene. This variant has been identified in the homozygous state and/or in conjunction with other ALMS1 variant(s) in individual(s) with features consistent with Alstrom syndrome (Kln&ccedil; S et al. J Pediatr Endocrinol Metab, 2018 Jun;31:681-687). Alterations that disrupt the canonical splice site are expected to result in aberrant splicing. In silico splice site analysis predicts that this alteration will weaken the native splice acceptor site and will result in the creation or strengthening of a novel splice acceptor site. A resulting transcript is predicted to be in-frame and is not expected to trigger nonsense-mediated mRNAdecay; although, direct evidence is unavailable. This nucleotide position is highly conserved in available vertebrate species. Based on the available evidence, the clinical significance of this variant remains unclear.

Women's Health and Genetics/Laboratory Corporation of America, LabCorp
Classification: Likely pathogenic for Alstrom syndrome. Last evaluated: 2024-08-16. Review status: criteria provided, single submitter. Criteria: LabCorp Variant Classification Summary - May 2015. Collection method: clinical testing. Allele origin: germline.
Comment: Variant summary: ALMS1 c.11666-2A>G is located in a canonical splice-site and is predicted to affect mRNA splicing resulting in a significantly altered protein due to either exon skipping, shortening, or inclusion of intronic material. Variants that disrupt the consensus splice site are a relatively common cause of aberrant splicing and loss of ALMS1 function. Several computational tools predict a significant impact on normal splicing: Four predict the variant abolishes a 3' acceptor site. Two predict the variant abolishes a cryptic 5' donor site. Two predict the variant weakens a cryptic 5' donor site. However, these predictions have yet to be confirmed by functional studies. The variant allele was found at a frequency of 4e-06 in 248204 control chromosomes. c.11666-2A>G has been reported in the literature in at least one individual affected with Alstrom Syndrome (e.g., Kilinc_2018). To our knowledge, no experimental evidence demonstrating an impact on protein function has been reported. The following publication has been ascertained in the context of this evaluation (PMID: 29715191). ClinVar contains an entry for this variant (Variation ID: 835211). Based on the evidence outlined above, the variant was classified as likely pathogenic.

Natera, Inc.
Classification: Likely pathogenic for Alstrom syndrome. Last evaluated: 2024-06-29. Review status: criteria provided, single submitter. Criteria: Natera Variant Classification Schema (03/2026). Collection method: clinical testing. Allele origin: germline.
Comment: The c.11672-2A>G variant in ALMS1 is a canonical splice acceptor site variant predicted to affect pre-mRNA splicing, which may result in an abnormal transcript and altered protein product. This variant is expected to result in nonsense mediated decay, truncation, or a dysfunctional protein product. This variant is rare in the general population with a frequency below the threshold expected for the associated phenotype(s). This variant has been observed in one or more individuals affected with the associated recessive disease, as either homozygous or compound heterozygous with a second variant (PMID: 29715191). Given the available evidence, this variant is classified as Likely Pathogenic.

Fulgent Genetics
Classification: Likely pathogenic for Alstrom syndrome. Last evaluated: 2021-07-14. Review status: criteria provided, single submitter. Criteria: ACMG Guidelines, 2015. Collection method: clinical testing. Allele origin: unknown.

Literature cited by the submitters: PubMed 16199547 (cited by Labcorp Genetics (formerly Invitae), Labcorp); PubMed 17594715 (cited by Labcorp Genetics (formerly Invitae), Labcorp); PubMed 29715191 (cited by 4 submitters).